The following is an entry in ClinVar:

ClinVar aggregate classification (germline): Uncertain significance (1 of 4 stars; one submission).

Conditions:
Cowden syndrome (CS). Also called: Cowden's disease; Cowden's syndrome; Cowden disease. Identifiers: Orphanet 201, MedGen C0018553, MONDO:0016063. Disease mechanism: gain of function.

Submission:

Labcorp Genetics (formerly Invitae), Labcorp
Classification: Uncertain significance for Cowden syndrome. Last evaluated: 2022-07-27. Review status: criteria provided, single submitter. Criteria: Invitae Variant Classification Sherloc (09022015). Collection method: clinical testing. Allele origin: germline.
Comment: This sequence change replaces valine, which is neutral and non-polar, with isoleucine, which is neutral and non-polar, at codon 616 of the PIK3CA protein (p.Val616Ile). This variant is not present in population databases (gnomAD no frequency). This variant has not been reported in the literature in individuals affected with PIK3CA-related conditions. Algorithms developed to predict the effect of missense changes on protein structure and function (SIFT, PolyPhen-2, Align-GVGD) all suggest that this variant is likely to be disruptive. In summary, the available evidence is currently insufficient to determine the role of this variant in disease. Therefore, it has been classified as a Variant of Uncertain Significance.

NM_006218.4(PIK3CA):c.1846G>A (p.Val616Ile)

Gene: PIK3CA (phosphatidylinositol-4,5-bisphosphate 3-kinase catalytic subunit alpha; plus strand). Cytogenetic location: 3q26.32.
Variant type: single nucleotide variant.
Coding change: c.1846G>A on transcript NM_006218.4 (MANE Select); coding-DNA position 1846, G replaced by A.
Protein change: p.Val616Ile; replaces valine 616 with isoleucine.
Molecular consequence: missense variant.
Genome position (GRCh38, 1-based): chr3:179,219,670, G>A. VCF-style: chr3-179219670-G-A. GRCh37 (hg19) VCF-style: chr3-178937458-G-A.
Other names: short protein forms V616I.
Identifiers: ClinVar variation 2147306 (VCV002147306.4), dbSNP rs1560145356, ClinGen allele CA355266575.